The following is an entry in ClinVar:

ClinVar aggregate classification (germline): Benign/Likely benign. Review status: criteria provided, multiple submitters, no conflicts (2 of 4 stars). 4 submissions from 4 submitters: Benign (1); Likely benign (3). Last evaluated 2025-11-05.

Conditions:
Tuberous sclerosis syndrome (TSC). Also called: Tuberous Sclerosis Complex; Tuberous sclerosis. Identifiers: Orphanet 805, MedGen C0041341, MONDO:0001734.
Hereditary cancer-predisposing syndrome. Also called: Tumor predisposition; Hereditary neoplastic syndrome; Neoplastic Syndromes, Hereditary; Hereditary Cancer Syndrome. Identifiers: Orphanet 140162, MedGen C0027672, MeSH D009386, MONDO:0015356.
Tuberous sclerosis 1 (TSC1). Identifiers: Orphanet 805, MedGen C1854465, MONDO:0008612, OMIM 191100.

Allele frequency attached by ClinVar (database versions not stated): gnomAD exomes 0.00002 and 0.00003; ExAC 0.00003.
gnomAD v4.1: 24 of 1,614,238 alleles (0.0015%); highest among the groups gnomAD compares: South Asian, 0.026%; no homozygotes.

Submissions (4):

Labcorp Genetics (formerly Invitae), Labcorp
Classification: Likely benign for Tuberous sclerosis 1. Last evaluated: 2025-11-05. Review status: criteria provided, single submitter. Criteria: Invitae Variant Classification Sherloc (09022015). Collection method: clinical testing. Allele origin: germline.

Myriad Genetics, Inc.
Classification: Benign for Tuberous sclerosis 1. Last evaluated: 2025-04-08. Review status: criteria provided, single submitter. Criteria: Myriad Autosomal Dominant, Autosomal Recessive and X-Linked Classification Criteria (2023). Collection method: clinical testing. Allele origin: unknown.
Comment: This variant is considered benign. This variant is a silent/synonymous amino acid change and it is not expected to impact splicing.

All of Us Research Program, National Institutes of Health
Classification: Likely benign for Tuberous sclerosis syndrome. Last evaluated: 2023-05-16. Review status: criteria provided, single submitter. Criteria: ACMG Guidelines, 2015. Collection method: clinical testing. Allele origin: germline. Inheritance: Autosomal dominant inheritance. Observed: 1 variant allele, 1 heterozygote.
Comment: This study involves interpretation of variants in research participants for the purpose of population health screening. Participant phenotype was not available at the time of variant classification. Additional details can be found in publication PMID: 35346344, PMCID: PMC8962531

Ambry Genetics
Classification: Likely benign for Hereditary cancer-predisposing syndrome. Last evaluated: 2022-11-07. Review status: criteria provided, single submitter. Criteria: Ambry Variant Classification Scheme 2023. Collection method: clinical testing. Allele origin: germline.

NM_000368.5(TSC1):c.762T>C (p.Asp254=)

Gene: TSC1 (TSC complex subunit 1; minus strand). Cytogenetic location: 9q34.13.
Variant type: single nucleotide variant.
Coding change: c.762T>C on transcript NM_000368.5 (MANE Select); coding-DNA position 762, T replaced by C.
Protein change: p.Asp254=; no amino-acid change (aspartic acid 254 retained).
Molecular consequence: synonymous variant.
Genome position (GRCh38, 1-based): chr9:132,912,433, A>G on the plus strand (T>C on the coding strand, the complement: TSC1 is on the minus strand). VCF-style: chr9-132912433-A-G. GRCh37 (hg19) VCF-style: chr9-135787820-A-G.
Other names: c.762T>C, p.Asp254= (NM_001162426.2); c.609T>C, p.Asp203= (NM_001162427.2); c.399T>C, p.Asp133= (NM_001362177.2).
Identifiers: ClinVar variation 706208 (VCV000706208.13), dbSNP rs780005416, ClinGen allele CA038838.